The following is an entry in ClinVar:

NM_001843.4(CNTN1):c.131A>T (p.Glu44Val)

Gene: CNTN1 (contactin 1; plus strand). Cytogenetic location: 12q12.
Variant type: single nucleotide variant.
Coding change: c.131A>T on transcript NM_001843.4 (MANE Select); coding-DNA position 131, A replaced by T.
Protein change: p.Glu44Val; replaces glutamic acid 44 with valine.
Molecular consequence: missense variant.
Genome position (GRCh38, 1-based): chr12:40,918,675, A>T. VCF-style: chr12-40918675-A-T. GRCh37 (hg19) VCF-style: chr12-41312477-A-T.
Other names: c.131A>T, p.Glu44Val (NM_001256063.2, NM_001256064.2); c.98A>T, p.Glu33Val (NM_175038.2); short protein forms E44V, E33V.
Identifiers: ClinVar variation 1045489 (VCV001045489.9), dbSNP rs1945329610, ClinGen allele CA384421603.

ClinVar aggregate classification (germline): Uncertain significance (1 of 4 stars; one submission).

Conditions:
Compton-North congenital myopathy (CMYO12). Identifiers: Orphanet 210163, MedGen C2675527, MONDO:0012929, OMIM 612540.

Submission:

Labcorp Genetics (formerly Invitae), Labcorp
Classification: Uncertain significance for Compton-North congenital myopathy. Last evaluated: 2024-03-11. Review status: criteria provided, single submitter. Criteria: Invitae Variant Classification Sherloc (09022015). Collection method: clinical testing. Allele origin: germline.
Comment: This sequence change replaces glutamic acid, which is acidic and polar, with valine, which is neutral and non-polar, at codon 44 of the CNTN1 protein (p.Glu44Val). This variant is not present in population databases (gnomAD no frequency). This variant has not been reported in the literature in individuals affected with CNTN1-related conditions. ClinVar contains an entry for this variant (Variation ID: 1045489). Advanced modeling of protein sequence and biophysical properties (such as structural, functional, and spatial information, amino acid conservation, physicochemical variation, residue mobility, and thermodynamic stability) performed at Invitae indicates that this missense variant is not expected to disrupt CNTN1 protein function with a negative predictive value of 95%. Algorithms developed to predict the effect of sequence changes on RNA splicing suggest that this variant may disrupt the consensus splice site. In summary, the available evidence is currently insufficient to determine the role of this variant in disease. Therefore, it has been classified as a Variant of Uncertain Significance.